The following is an entry in ClinVar:

NM_018297.4(NGLY1):c.1629G>T (p.Lys543Asn)

Gene: NGLY1 (N-glycanase 1; minus strand). Cytogenetic location: 3p24.2.
Variant type: single nucleotide variant.
Coding change: c.1629G>T on transcript NM_018297.4 (MANE Select); coding-DNA position 1629, G replaced by T.
Protein change: p.Lys543Asn; replaces lysine 543 with asparagine.
Molecular consequence: missense variant. On other transcripts: intron variant (1).
Genome position (GRCh38, 1-based): chr3:25,720,174, C>A on the plus strand (G>T on the coding strand, the complement: NGLY1 is on the minus strand). VCF-style: chr3-25720174-C-A. GRCh37 (hg19) VCF-style: chr3-25761665-C-A.
Other names: c.1575G>T, p.Lys525Asn (NM_001145293.2); c.1503G>T, p.Lys501Asn (NM_001145294.2); c.1612-539G>T (NM_001145295.2); short protein forms K525N, K543N, K501N.
Identifiers: ClinVar variation 1393074 (VCV001393074.5), dbSNP rs1306756725, ClinGen allele CA351894450.

ClinVar aggregate classification (germline): Uncertain significance (1 of 4 stars; one submission).

Conditions:
Congenital disorder of deglycosylation (CDDG). Identifiers: MedGen C3808991, MONDO:0031376.

Allele frequency attached by ClinVar (database versions not stated): gnomAD exomes below 0.00001.
gnomAD v4.1: 1 of 1,613,622 alleles (0.000062%); highest among the groups gnomAD compares: South Asian, 0.0011%; no homozygotes.

Submission:

Labcorp Genetics (formerly Invitae), Labcorp
Classification: Uncertain significance for Congenital disorder of deglycosylation. Last evaluated: 2021-09-01. Review status: criteria provided, single submitter. Criteria: Invitae Variant Classification Sherloc (09022015). Collection method: clinical testing. Allele origin: germline.
Comment: This sequence change replaces lysine with asparagine at codon 543 of the NGLY1 protein (p.Lys543Asn). The lysine residue is moderately conserved and there is a moderate physicochemical difference between lysine and asparagine. This variant is not present in population databases (ExAC no frequency). This variant has not been reported in the literature in individuals affected with NGLY1-related conditions. Algorithms developed to predict the effect of missense changes on protein structure and function (SIFT, PolyPhen-2, Align-GVGD) all suggest that this variant is likely to be tolerated. In summary, the available evidence is currently insufficient to determine the role of this variant in disease. Therefore, it has been classified as a Variant of Uncertain Significance.